The following is an entry in ClinVar:

NM_001367773.1(ESYT2):c.2580G>A (p.Thr860=)

Genes: ESYT2 (extended synaptotagmin 2; minus strand), LOC126860261 (BRD4-independent group 4 enhancer GRCh37_chr7:158526538-158527737; plus strand). Cytogenetic location: 7q36.3.
Variant type: single nucleotide variant.
Coding change: c.2580G>A on transcript NM_001367773.1 (MANE Select); coding-DNA position 2580, G replaced by A.
Protein change: p.Thr860=; no amino-acid change (threonine 860 retained).
Molecular consequence: synonymous variant.
Genome position (GRCh38, 1-based): chr7:158,734,228, C>T on the plus strand (G>A on the coding strand, the complement: ESYT2 is on the minus strand). VCF-style: chr7-158734228-C-T. GRCh37 (hg19) VCF-style: chr7-158526919-C-T.
Other names: c.2517G>A, p.Thr839= (NM_020728.3).
Identifiers: ClinVar variation 3778188 (VCV003778188.7).

ClinVar aggregate classification (germline): Likely benign (1 of 4 stars; one submission).

gnomAD v4.1: 32 of 1,614,088 alleles (0.002%); highest among the groups gnomAD compares: African/African-American, 0.011%; no homozygotes.

Submission:

CeGaT Center for Human Genetics Tuebingen
Classification: Likely benign. Last evaluated: 2025-03-01. Review status: criteria provided, single submitter. Criteria: CeGaT Center For Human Genetics Tuebingen Variant Classification Criteria Version 2. Collection method: clinical testing. Allele origin: germline. Affected: yes. Observed: 1 variant allele.
Comment: ESYT2: BP4, BP7